The following is an entry in ClinVar:

NM_001375524.1(TRRAP):c.705G>A (p.Met235Ile)

Gene: TRRAP (transformation/transcription domain associated protein; plus strand). Cytogenetic location: 7q22.1.
Variant type: single nucleotide variant.
Coding change: c.705G>A on transcript NM_001375524.1 (MANE Select); coding-DNA position 705, G replaced by A.
Protein change: p.Met235Ile; replaces methionine 235 with isoleucine.
Molecular consequence: missense variant.
Genome position (GRCh38, 1-based): chr7:98,899,493, G>A. VCF-style: chr7-98899493-G-A. GRCh37 (hg19) VCF-style: chr7-98497116-G-A.
Other names: c.705G>A (NM_003496.3); c.705G>A, p.Met235Ile (NM_001244580.2, NM_003496.4); short protein forms M235I.
Identifiers: ClinVar variation 1945569 (VCV001945569.6), dbSNP rs1796373996, ClinGen allele CA368280155.

ClinVar aggregate classification (germline): Uncertain significance. Review status: criteria provided, multiple submitters, no conflicts (2 of 4 stars). 2 submissions from 2 submitters: Uncertain significance (2). Last evaluated 2024-04-29.

Allele frequency attached by ClinVar (database versions not stated): gnomAD exomes 0.00001.
gnomAD v4.1: 4 of 1,614,162 alleles (0.00025%); highest among the groups gnomAD compares: Admixed American, 0.005%; no homozygotes.

Submissions (2):

GeneDx
Classification: Uncertain significance. Last evaluated: 2024-04-29. Review status: criteria provided, single submitter. Criteria: GeneDx Variant Classification Process June 2021. Collection method: clinical testing. Allele origin: germline. Affected: yes.
Comment: Not observed at significant frequency in large population cohorts (gnomAD); In silico analysis supports that this missense variant has a deleterious effect on protein structure/function; Has not been previously published as pathogenic or benign to our knowledge

Labcorp Genetics (formerly Invitae), Labcorp
Classification: Uncertain significance. Last evaluated: 2023-08-04. Review status: criteria provided, single submitter. Criteria: Invitae Variant Classification Sherloc (09022015). Collection method: clinical testing. Allele origin: germline.
Comment: In summary, the available evidence is currently insufficient to determine the role of this variant in disease. Therefore, it has been classified as a Variant of Uncertain Significance. This sequence change replaces methionine, which is neutral and non-polar, with isoleucine, which is neutral and non-polar, at codon 235 of the TRRAP protein (p.Met235Ile). This variant is not present in population databases (gnomAD no frequency). This variant has not been reported in the literature in individuals affected with TRRAP-related conditions. ClinVar contains an entry for this variant (Variation ID: 1945569). Advanced modeling of protein sequence and biophysical properties (such as structural, functional, and spatial information, amino acid conservation, physicochemical variation, residue mobility, and thermodynamic stability) performed at Invitae indicates that this missense variant is not expected to disrupt TRRAP protein function.